The following is an entry in ClinVar:

ClinVar aggregate classification (germline): Uncertain significance. Review status: criteria provided, multiple submitters, no conflicts (2 of 4 stars). 2 submissions from 2 submitters: Uncertain significance (2). Last evaluated 2024-12-18.

Conditions:
Autosomal recessive limb-girdle muscular dystrophy type 2J (LGMDR10). Also called: Limb-girdle muscular dystrophy, type 2J; MUSCULAR DYSTROPHY, LIMB-GIRDLE, AUTOSOMAL RECESSIVE 10. Identifiers: Orphanet 140922, MedGen C1837342, MONDO:0012127, OMIM 608807.
Dilated cardiomyopathy 1G (CMD1G). Identifiers: Orphanet 154, MedGen C1858763, MONDO:0011400, OMIM 604145.

Allele frequency attached by ClinVar (database versions not stated): ExAC 0.00001; gnomAD 0.00001; gnomAD exomes 0.00001; TOPMed 0.00001.
gnomAD v4.1: 10 of 1,522,496 alleles (0.00066%); highest among the groups gnomAD compares: Non-Finnish European, 0.00079%; no homozygotes.

Submissions (2):

Athena Diagnostics
Classification: Uncertain significance. Last evaluated: 2024-12-18. Review status: criteria provided, single submitter. Criteria: Athena Diagnostics Criteria. Collection method: clinical testing. Allele origin: unknown.
Comment: Available data are insufficient to determine the clinical significance of the variant at this time. The frequency of this variant in the general population is uninformative in assessment of its pathogenicity. This variant is in a coding region of the longest isoform of TTN, inferred model NM_001267550.1, however, it is in a non-coding region of the main skeletal and cardiac muscle isoforms of TTN. Polyphen and MutationTaster predict this amino acid change may be benign.

Labcorp Genetics (formerly Invitae), Labcorp
Classification: Uncertain significance for Dilated cardiomyopathy 1G; Autosomal recessive limb-girdle muscular dystrophy type 2J. Last evaluated: 2017-05-16. Review status: criteria provided, single submitter. Criteria: Invitae Variant Classification Sherloc (09022015). Collection method: clinical testing. Allele origin: germline.

NM_001267550.2(TTN):c.10328C>T (p.Thr3443Ile)

Gene: TTN (titin; minus strand). Cytogenetic location: 2q31.2.
Variant type: single nucleotide variant.
Coding change: c.10328C>T on transcript NM_001267550.2 (MANE Select); coding-DNA position 10328, C replaced by T.
Protein change: p.Thr3443Ile; replaces threonine 3443 with isoleucine.
Molecular consequence: missense variant. On other transcripts: intron variant (5).
Genome position (GRCh38, 1-based): chr2:178,757,892, G>A on the plus strand (C>T on the coding strand, the complement: TTN is on the minus strand). VCF-style: chr2-178757892-G-A. GRCh37 (hg19) VCF-style: chr2-179622619-G-A.
Other names: c.10190C>T, p.Thr3397Ile (NM_133432.3); c.10165+1092C>T (NM_003319.4, NM_133437.4); c.10303+1092C>T (NM_133378.4, NM_001256850.1, NM_133379.5); c.10328C>T (NM_001267550.1); short protein forms T3443I, T3397I.
Identifiers: ClinVar variation 466710 (VCV000466710.4), dbSNP rs746052197, ClinGen allele CA2004129.